The following is an entry in ClinVar:

NR_001564.3(XIST):n.3977A>G

Gene: XIST (X inactive specific transcript; minus strand). Cytogenetic location: Xq13.2.
Variant type: single nucleotide variant.
Genome position: GRCh38 VCF-style: chrX-73848738-T-C. GRCh37 (hg19) VCF-style: chrX-73068573-T-C.
Identifiers: ClinVar variation 3038410 (VCV003038410.2), dbSNP rs6528, ClinGen allele CA10453556.

ClinVar aggregate classification (germline): Likely benign (0 of 4 stars; one submission).

Conditions:
XIST-related disorder. Also called: XIST-related condition.

Allele frequency attached by ClinVar (database versions not stated): 1000 Genomes Project 30x 0.00728; 1000 Genomes Project 0.00742; TOPMed 0.02099; gnomAD 0.02324; ExAC 0.02369; ESP Exome Variant Server 0.02807.
gnomAD v4.1: 14,582 of 556,611 alleles (2.6%); highest among the groups gnomAD compares: Non-Finnish European, 3.8%; 159 homozygotes.

Submission:

PreventionGenetics, part of Exact Sciences
Classification: Likely benign for XIST-related condition. Last evaluated: 2020-02-05. Review status: no assertion criteria provided. Collection method: clinical testing. Allele origin: germline.
Comment: This variant is classified as likely benign based on ACMG/AMP sequence variant interpretation guidelines (Richards et al. 2015 PMID: 25741868, with internal and published modifications).